The following is an entry in ClinVar:

ClinVar aggregate classification (germline): Pathogenic. Review status: criteria provided, multiple submitters, no conflicts (2 of 4 stars). 6 submissions from 6 submitters: Pathogenic (6). Last evaluated 2025-12-15.

Conditions:
Cardiovascular phenotype. Identifiers: MedGen CN230736.
Arrhythmogenic right ventricular cardiomyopathy (ARVD). Also called: Arrhythmogenic cardiomyopathy; Arrhythmogenic Right Ventricular Cardiomyopathy (ARVC); Cardiomyopathy, ARVC; Arrhythmogenic right ventricular dysplasia. Identifiers: Orphanet 247, MedGen C0349788, MeSH D019571, MONDO:0016587. Disease mechanism: loss of function. Inheritance: Various modes of inheritance.
Arrhythmogenic right ventricular dysplasia 9 (ARVD9). Also called: Arrhythmogenic Right Ventricular Dysplasia/Cardiomyopathy 9; ARRHYTHMOGENIC RIGHT VENTRICULAR DYSPLASIA, FAMILIAL, 9. Identifiers: MedGen C1836906, MONDO:0012180, OMIM 609040.

Allele frequency attached by ClinVar (database versions not stated): TOPMed below 0.00001.

Submissions (6):

Ambry Genetics
Classification: Pathogenic for Cardiovascular phenotype. Last evaluated: 2025-12-15. Review status: criteria provided, single submitter. Criteria: Ambry Variant Classification Scheme 2023. Collection method: clinical testing. Allele origin: germline.
Comment: The c.623delC pathogenic mutation, located in coding exon 3 of the PKP2 gene, results from a deletion of one nucleotide at nucleotide position 623, causing a translational frameshift with a predicted alternate stop codon (p.T208Kfs*55). This variant is considered to be rare based on population cohorts in the Genome Aggregation Database (gnomAD). This alteration is expected to result in loss of function by premature protein truncation or nonsense-mediated mRNA decay. As such, this alteration is interpreted as a disease-causing mutation.

Variantyx, Inc.
Classification: Pathogenic for Arrhythmogenic right ventricular dysplasia 9. Last evaluated: 2025-09-04. Review status: criteria provided, single submitter. Criteria: Variantyx Assertion Criteria 2022. Collection method: clinical testing. Allele origin: germline. Inheritance: Autosomal dominant inheritance. Affected: yes.
Comment: This is a frameshift variant in the PKP2 gene (OMIM: 602861). Pathogenic variants in this gene have been associated with autosomal dominant arrhythmogenic right ventricular dysplasia 9. This variant introduces a premature termination codon in exon 3 out of 13 and is expected to result in loss of function, which is a known disease mechanism for PKP2 in this disorder (PMID: 15489853, 24704780, 29038103) (PVS1). This variant is absent from control populations (PM2). It has been reported in the heterozygous state in at least one affected individual(s) (PMID: 34363016). Based on the current evidence, this variant is classified as pathogenic for autosomal dominant arrhythmogenic right ventricular dysplasia 9.

Labcorp Genetics (formerly Invitae), Labcorp
Classification: Pathogenic for Arrhythmogenic right ventricular dysplasia 9. Last evaluated: 2025-09-02. Review status: criteria provided, single submitter. Criteria: Invitae Variant Classification Sherloc (09022015). Collection method: clinical testing. Allele origin: germline.
Comment: This sequence change creates a premature translational stop signal (p.Thr208Lysfs*55) in the PKP2 gene. It is expected to result in an absent or disrupted protein product. Loss-of-function variants in PKP2 are known to be pathogenic (PMID: 15489853, 17041889, 23911551). This variant is not present in population databases (gnomAD no frequency). This variant has not been reported in the literature in individuals affected with PKP2-related conditions. ClinVar contains an entry for this variant (Variation ID: 202013). For these reasons, this variant has been classified as Pathogenic.

GeneDx
Classification: Pathogenic. Last evaluated: 2024-04-13. Review status: criteria provided, single submitter. Criteria: GeneDx Variant Classification Process June 2021. Collection method: clinical testing. Allele origin: germline. Affected: yes.
Comment: Frameshift variant predicted to result in protein truncation or nonsense mediated decay in a gene for which loss of function is a known mechanism of disease; Not observed at significant frequency in large population cohorts (gnomAD); This variant is associated with the following publications: (PMID: 34120153, 34363016, 32372669)

All of Us Research Program, National Institutes of Health
Classification: Pathogenic for Arrhythmogenic right ventricular cardiomyopathy. Last evaluated: 2023-10-30. Review status: criteria provided, single submitter. Criteria: ACMG Guidelines, 2015. Collection method: clinical testing. Allele origin: germline. Inheritance: Autosomal dominant inheritance. Observed: 1 variant allele, 1 heterozygote.
Comment: The c.623delC (p.Thr208LysfsTer55) variant in the PKP2 gene introduces a premature translation termination codon. It is predicted to cause loss of normal protein function either through abnormal, prematurely truncated protein, or by absence of protein product due to nonsense-mediated mRNA decay. This variant was not observed in the gnomAD database. Loss-of-function variants in PKP2 are known to be pathogenic (PMID: 15489853, 23911551). For these reasons, this variant has been classified as Pathogenic.

This study involves interpretation of variants in research participants for the purpose of population health screening. Participant phenotype was not available at the time of variant classification. Additional details can be found in publication PMID: 35346344, PMCID: PMC8962531

Human Genome Sequencing Center Clinical Lab, Baylor College of Medicine
Classification: Pathogenic for Arrhythmogenic right ventricular dysplasia 9. Last evaluated: 2020-06-11. Review status: criteria provided, single submitter. Criteria: ACMG Guidelines, 2015. Collection method: clinical testing. Allele origin: germline.
Comment: The c.623delC (p.Thr208LysfsTer55) variant in the PKP2 gene introduces a premature translation termination codon. It is predicted to cause loss of normal protein function either through abnormal, prematurely truncated protein, or by absence of protein product due to nonsense-mediated mRNA decay. This variant was not observed in the gnomAD database. Loss-of-function variants in PKP2 are known to be pathogenic (PMID: 15489853, 23911551). For these reasons, this variant has been classified as Pathogenic.

Literature cited by the submitters: PubMed 34363016 (cited by Variantyx, Inc.); PubMed 15489853 (cited by 3 submitters); PubMed 17041889 (cited by Variantyx, Inc. and Labcorp Genetics (formerly Invitae), Labcorp); PubMed 23911551 (cited by 3 submitters).

NM_001005242.3(PKP2):c.623del (p.Thr208fs)

Gene: PKP2 (plakophilin 2; minus strand). Cytogenetic location: 12p11.21.
Variant type: Deletion.
Coding change: c.623del on transcript NM_001005242.3 (MANE Select); coding-DNA position 623, one base deleted (C; older notation c.623delC).
Protein change: p.Thr208fs; shifts the reading frame from threonine 208.
Molecular consequence: frameshift variant.
Genome position (GRCh38, 1-based): chr12:32,878,257, G deleted on the plus strand (C on the coding strand, the reverse complement: PKP2 is on the minus strand). VCF-style (leftmost placement, unchanged base first): chr12-32878256-TG-T. GRCh37 (hg19) VCF-style: chr12-33031190-TG-T.
Other names: c.623delC (NM_004572.3); c.623del, p.Thr208fs (NM_004572.4); short protein forms T208fs.
Identifiers: ClinVar variation 202013 (VCV000202013.15), dbSNP rs794729122, ClinGen allele CA012419.